The following is an entry in ClinVar:

ClinVar aggregate classification (germline): Uncertain significance (1 of 4 stars; one submission).

Submission:

Mayo Clinic Laboratories, Mayo Clinic
Classification: Uncertain significance. Last evaluated: 2024-09-18. Review status: criteria provided, single submitter. Criteria: ACMG Guidelines, 2015. Collection method: clinical testing. Allele origin: germline. Observed: 1 variant allele.
Comment: PM2

NM_001267550.2(TTN):c.53989A>G (p.Lys17997Glu)

Genes: TTN-AS1 (TTN antisense RNA 1; plus strand), TTN (titin; minus strand). Cytogenetic location: 2q31.2.
Variant type: single nucleotide variant.
Coding change: c.53989A>G on transcript NM_001267550.2 (MANE Select); coding-DNA position 53989, A replaced by G.
Protein change: p.Lys17997Glu; replaces lysine 17997 with glutamic acid.
Molecular consequence: missense variant. On other transcripts: non-coding transcript variant (1).
Genome position (GRCh38, 1-based): chr2:178,605,188, T>C on the plus strand (A>G on the coding strand, the complement: TTN is on the minus strand). VCF-style: chr2-178605188-T-C. GRCh37 (hg19) VCF-style: chr2-179469915-T-C.
Other names: p.Lys16356Glu; c.49066A>G, p.Lys16356Glu (NM_001256850.1); c.26794A>G, p.Lys8932Glu (NM_003319.4); c.46285A>G, p.Lys15429Glu (NM_133378.4); c.27169A>G, p.Lys9057Glu (NM_133432.3); c.27370A>G, p.Lys9124Glu (NM_133437.4); short protein forms K15429E, K16356E, K17997E, K8932E, K9057E, K9124E.
Identifiers: ClinVar variation 3380884 (VCV003380884.1).
Genomic context (GRCh38, chr2:178,605,188, plus strand): 5'-TTATCTGAAGTGCATCAGTGGGTTTTTCAATTACAGTTTCATTTTTGGACCATTCAATCT[T>C]AGGCATTGGAAGGCCTGTCACATCTGCAGGGATGTGGACAGGCTCTCCTGCCTTAACTTT-3'
Protein context (NP_001254479.2, residues 17987-18007): PADVTGLPMP[Lys17997Glu]IEWSKNETVI